The following is an entry in ClinVar:

ClinVar aggregate classification (germline): Conflicting classifications of pathogenicity. Review status: criteria provided, conflicting classifications (1 of 4 stars). 7 submissions from 7 submitters: Uncertain significance (5); Likely benign (1). 1 of the submissions does not count toward it. Last evaluated 2026-01-13.

Conditions:
Hereditary cancer-predisposing syndrome. Also called: Tumor predisposition; Neoplastic Syndromes, Hereditary; Hereditary Cancer Syndrome; Hereditary neoplastic syndrome. Identifiers: Orphanet 140162, MedGen C0027672, MeSH D009386, MONDO:0015356.
Familial cancer of breast. Also called: BREAST CANCER, FAMILIAL; hereditary breast carcinoma; Hereditary breast cancer. Identifiers: Orphanet 227535, MedGen C0346153, MONDO:0016419, OMIM 114480. Disease mechanism: loss of function.
Ataxia-telangiectasia syndrome (AT). Also called: Ataxia-telangiectasia; Ataxia-telangiectasia, complementation group D; AT, COMPLEMENTATION GROUP C; LOUIS-BAR SYNDROME; Cerebello-oculocutaneous telangiectasia; Immunodeficiency with ataxia telangiectasia. Identifiers: Orphanet 100, MedGen C0004135, MONDO:0008840, OMIM 208900.

Allele frequency attached by ClinVar (database versions not stated): gnomAD exomes below 0.00001; gnomAD 0.00001; TOPMed 0.00001.
gnomAD v4.1: 3 of 1,613,280 alleles (0.00019%); highest among the groups gnomAD compares: Non-Finnish European, 0.00025%; no homozygotes.

Submissions (7):

Labcorp Genetics (formerly Invitae), Labcorp
Classification: Uncertain significance for Ataxia-telangiectasia syndrome. Last evaluated: 2026-01-13. Review status: criteria provided, single submitter. Criteria: Invitae Variant Classification Sherloc (09022015). Collection method: clinical testing. Allele origin: germline.
Comment: This sequence change replaces serine, which is neutral and polar, with asparagine, which is neutral and polar, at codon 2 of the ATM protein (p.Ser2Asn). This variant is not present in population databases (gnomAD no frequency). This variant has not been reported in the literature in individuals affected with ATM-related conditions. ClinVar contains an entry for this variant (Variation ID: 489566). Invitae Evidence Modeling of protein sequence and biophysical properties (such as structural, functional, and spatial information, amino acid conservation, physicochemical variation, residue mobility, and thermodynamic stability) indicates that this missense variant is not expected to disrupt ATM protein function with a negative predictive value of 95%. In summary, the available evidence is currently insufficient to determine the role of this variant in disease. Therefore, it has been classified as a Variant of Uncertain Significance.

Women's Health and Genetics/Laboratory Corporation of America, LabCorp
Classification: Uncertain significance. Last evaluated: 2024-05-20. Review status: criteria provided, single submitter. Criteria: LabCorp Variant Classification Summary - May 2015. Collection method: clinical testing. Allele origin: germline.
Comment: Variant summary: ATM c.5G>A (p.Ser2Asn) results in a conservative amino acid change in the encoded protein sequence. Three of five in-silico tools predict a benign effect of the variant on protein function. The variant was absent in 251400 control chromosomes (gnomAD). The available data on variant occurrences in the general population are insufficient to allow any conclusion about variant significance. To our knowledge, no occurrence of c.5G>A in individuals affected with Breast Cancer and no experimental evidence demonstrating its impact on protein function have been reported. ClinVar contains an entry for this variant (Variation ID: 489566). Based on the evidence outlined above, the variant was classified as uncertain significance.

Ambry Genetics
Classification: Likely benign for Hereditary cancer-predisposing syndrome. Last evaluated: 2024-03-12. Review status: criteria provided, single submitter. Criteria: Ambry Variant Classification Scheme 2023. Collection method: clinical testing. Allele origin: germline.

GeneDx
Classification: Uncertain significance. Last evaluated: 2024-02-27. Review status: criteria provided, single submitter. Criteria: GeneDx Variant Classification Process June 2021. Collection method: clinical testing. Allele origin: germline. Affected: yes.
Comment: Not observed in large population cohorts (gnomAD); In silico analysis supports that this missense variant does not alter protein structure/function; Has not been previously published as pathogenic or benign to our knowledge

Baylor Genetics
Classification: Uncertain significance for Familial cancer of breast. Last evaluated: 2023-11-28. Review status: criteria provided, single submitter. Criteria: ACMG Guidelines, 2015. Collection method: clinical testing. Allele origin: unknown.

Color Diagnostics, LLC DBA Color Health
Classification: Uncertain significance for Hereditary cancer-predisposing syndrome. Last evaluated: 2021-11-02. Review status: criteria provided, single submitter. Criteria: ACMG Guidelines, 2015. Collection method: clinical testing. Allele origin: germline.
Comment: This missense variant replaces serine with asparagine at codon 2 of the ATM protein. Computational prediction suggests that this variant may not impact protein structure and function (internally defined REVEL score threshold <= 0.5, PMID: 27666373). To our knowledge, functional studies have not been reported for this variant. This variant has not been reported in individuals affected with hereditary cancer in the literature. This variant has not been identified in the general population by the Genome Aggregation Database (gnomAD). The available evidence is insufficient to determine the role of this variant in disease conclusively. Therefore, this variant is classified as a Variant of Uncertain Significance.

Natera, Inc.
Classification: Uncertain significance for Ataxia-telangiectasia. Last evaluated: 2021-03-25. Review status: no assertion criteria provided. Collection method: clinical testing. Allele origin: germline. Not counted in ClinVar's aggregate classification.

NM_000051.4(ATM):c.5G>A (p.Ser2Asn)

Gene: ATM (ATM serine/threonine kinase; plus strand). Cytogenetic location: 11q22.3.
Variant type: single nucleotide variant.
Coding change: c.5G>A on transcript NM_000051.4 (MANE Select); coding-DNA position 5, G replaced by A.
Protein change: p.Ser2Asn; replaces serine 2 with asparagine.
Molecular consequence: missense variant.
Genome position (GRCh38, 1-based): chr11:108,227,629, G>A. VCF-style: chr11-108227629-G-A. GRCh37 (hg19) VCF-style: chr11-108098356-G-A.
Other names: c.5G>A, p.Ser2Asn (NM_001351834.2, NM_001351835.2, NM_001351836.2); short protein forms S2N.
Identifiers: ClinVar variation 489566 (VCV000489566.28), dbSNP rs730881360, ClinGen allele CA382518922.
Genomic context (GRCh38, chr11:108,227,629, plus strand): 5'-TATACCTATATGTATTTTTTTTACAGACAGTGATGTGTGTTCTGAAATTGTGAACCATGA[G>A]TCTAGTACTTAATGATCTGCTTATCTGCTGCCGTCAACTAGAACATGATAGAGCTACAGA-3'
Protein context (NP_000042.3, residues 1-12): M[Ser2Asn]LVLNDLLICC